The following is an entry in ClinVar:

NM_003737.4(DCHS1):c.2710C>T (p.Pro904Ser)

Gene: DCHS1 (dachsous cadherin-related 1; minus strand). Cytogenetic location: 11p15.4.
Variant type: single nucleotide variant.
Coding change: c.2710C>T on transcript NM_003737.4 (MANE Select); coding-DNA position 2710, C replaced by T.
Protein change: p.Pro904Ser; replaces proline 904 with serine.
Molecular consequence: missense variant.
Genome position (GRCh38, 1-based): chr11:6,632,802, G>A on the plus strand (C>T on the coding strand, the complement: DCHS1 is on the minus strand). VCF-style: chr11-6632802-G-A. GRCh37 (hg19) VCF-style: chr11-6654033-G-A.
Other names: short protein forms P904S.
Identifiers: ClinVar variation 2794659 (VCV002794659.3), dbSNP rs745615130, ClinGen allele CA5860673.
Genomic context (GRCh38, chr11:6,632,802, plus strand): 5'-CTGAGTCGGGGTCAAGAGCCCGCAGTGTATAGATGGGAGTCCCTGGGGCAGTGTTTGGTG[G>A]TAGCAATACCGTGTCTTCAGGTGCAGGAAAGGCAGGGGAGTTGTCATTCACATCATCCAG-3'
Protein context (NP_003728.1, residues 894-914): FPAPEDTVLL[Pro904Ser]PNTAPGTPIY

ClinVar aggregate classification (germline): Uncertain significance (1 of 4 stars; one submission).

Allele frequency attached by ClinVar (database versions not stated): ExAC 0.00001.
gnomAD v4.1: 2 of 1,613,940 alleles (0.00012%); highest among the groups gnomAD compares: Non-Finnish European, 0.000085%; no homozygotes.

Submission:

Labcorp Genetics (formerly Invitae), Labcorp
Classification: Uncertain significance. Last evaluated: 2023-06-10. Review status: criteria provided, single submitter. Criteria: Invitae Variant Classification Sherloc (09022015). Collection method: clinical testing. Allele origin: germline.
Comment: In summary, the available evidence is currently insufficient to determine the role of this variant in disease. Therefore, it has been classified as a Variant of Uncertain Significance. Advanced modeling of protein sequence and biophysical properties (such as structural, functional, and spatial information, amino acid conservation, physicochemical variation, residue mobility, and thermodynamic stability) performed at Invitae indicates that this missense variant is not expected to disrupt DCHS1 protein function. This variant has not been reported in the literature in individuals affected with DCHS1-related conditions. This variant is present in population databases (rs745615130, gnomAD 0.0009%). This sequence change replaces proline, which is neutral and non-polar, with serine, which is neutral and polar, at codon 904 of the DCHS1 protein (p.Pro904Ser).